The following is an entry in ClinVar:

ClinVar aggregate classification (germline): Benign. Review status: criteria provided, multiple submitters, no conflicts (2 of 4 stars). 3 submissions from 3 submitters: Benign (2). 1 of the submissions does not count toward it. Last evaluated 2018-08-14.

Conditions:
MUC16-related disorder. Also called: MUC16-related condition.

Allele frequency attached by ClinVar (database versions not stated): gnomAD 0.02327 and 0.02176; gnomAD exomes 0.00571 and 0.00238; ESP Exome Variant Server 0.02324; 1000 Genomes Project 30x 0.02436; TOPMed 0.02469; 1000 Genomes Project 0.02256; ExAC 0.00688.

Submissions (3):

Labcorp Genetics (formerly Invitae), Labcorp
Classification: Benign. Last evaluated: 2018-08-14. Review status: criteria provided, single submitter. Criteria: Invitae Variant Classification Sherloc (09022015). Collection method: clinical testing. Allele origin: germline.

Breakthrough Genomics
Classification: Benign. Review status: criteria provided, single submitter. Criteria: ACMG Guidelines, 2015. Collection method: not provided. Allele origin: germline. Inheritance: Unknown mechanism. Affected: yes.

PreventionGenetics, part of Exact Sciences
Classification: Benign for MUC16-related condition. Last evaluated: 2019-10-01. Review status: no assertion criteria provided. Collection method: clinical testing. Allele origin: germline. Not counted in ClinVar's aggregate classification.
Comment: This variant is classified as benign based on ACMG/AMP sequence variant interpretation guidelines (Richards et al. 2015 PMID: 25741868, with internal and published modifications).

NM_001401501.2(MUC16):c.8359G>A (p.Ala2787Thr)

Gene: MUC16 (mucin 16, cell surface associated; minus strand). Cytogenetic location: 19p13.2.
Variant type: single nucleotide variant.
Coding change: c.8359G>A on transcript NM_001401501.2 (MANE Select); coding-DNA position 8359, G replaced by A.
Protein change: p.Ala2787Thr; replaces alanine 2787 with threonine.
Molecular consequence: missense variant.
Genome position (GRCh38, 1-based): chr19:8,972,900, C>T on the plus strand (G>A on the coding strand, the complement: MUC16 is on the minus strand). VCF-style: chr19-8972900-C-T. GRCh37 (hg19) VCF-style: chr19-9083576-C-T.
Other names: c.8785G>A, p.Ala2929Thr (NM_001414686.1); c.8239G>A, p.Ala2747Thr (NM_001414687.1, NM_024690.2); short protein forms A2747T, A2787T, A2929T.
Identifiers: ClinVar variation 781409 (VCV000781409.6), dbSNP rs10402538, ClinGen allele CA9172007.